The following is an entry in ClinVar:

NM_014989.7(RIMS1):c.3416C>G (p.Ser1139Cys)

Gene: RIMS1 (regulating synaptic membrane exocytosis 1; plus strand). Cytogenetic location: 6q13.
Variant type: single nucleotide variant.
Coding change: c.3416C>G on transcript NM_014989.7 (MANE Select); coding-DNA position 3416, C replaced by G.
Protein change: p.Ser1139Cys; replaces serine 1139 with cysteine.
Molecular consequence: missense variant. On other transcripts: intron variant (58).
Genome position (GRCh38, 1-based): chr6:72,274,366, C>G. VCF-style: chr6-72274366-C-G. GRCh37 (hg19) VCF-style: chr6-72984069-C-G.
Other names: c.1643C>G, p.Ser548Cys (NM_001350415.2, NM_001350445.2); c.1646C>G, p.Ser549Cys (NM_001350433.2); c.1580C>G, p.Ser527Cys (NM_001350435.2); c.1574C>G, p.Ser525Cys (NM_001350437.2); c.1559+8317C>G (NM_001350428.2, NM_001350459.2, NM_001350424.2 and 1 more transcripts); c.1556+8317C>G (NM_001350430.2, NM_001350421.2, NM_001350450.2); c.1706+8317C>G (NM_001350458.2); c.1628+8317C>G (NM_001350446.2, NM_001350442.2, NM_001350416.2 and 7 more transcripts); and 20 more; short protein forms S525C, S527C, S548C, S1139C, S549C.
Identifiers: ClinVar variation 1997406 (VCV001997406.4), dbSNP rs2552157921, ClinGen allele CA364687357.

ClinVar aggregate classification (germline): Uncertain significance (1 of 4 stars; one submission).

Submission:

Labcorp Genetics (formerly Invitae), Labcorp
Classification: Uncertain significance. Last evaluated: 2023-07-14. Review status: criteria provided, single submitter. Criteria: Invitae Variant Classification Sherloc (09022015). Collection method: clinical testing. Allele origin: germline.
Comment: In summary, the available evidence is currently insufficient to determine the role of this variant in disease. Therefore, it has been classified as a Variant of Uncertain Significance. An algorithm developed to predict the effect of missense changes on protein structure and function (PolyPhen-2) suggests that this variant is likely to be disruptive. ClinVar contains an entry for this variant (Variation ID: 1997406). This variant has not been reported in the literature in individuals affected with RIMS1-related conditions. This variant is not present in population databases (gnomAD no frequency). This sequence change replaces serine, which is neutral and polar, with cysteine, which is neutral and slightly polar, at codon 1139 of the RIMS1 protein (p.Ser1139Cys).